The following is an entry in ClinVar:

ClinVar aggregate classification (germline): Uncertain significance. Review status: criteria provided, multiple submitters, no conflicts (2 of 4 stars). 2 submissions from 2 submitters: Uncertain significance (2). Last evaluated 2025-04-02.

Conditions:
Hereditary cancer-predisposing syndrome. Also called: Hereditary Cancer Syndrome; Tumor predisposition; Neoplastic Syndromes, Hereditary; Hereditary neoplastic syndrome. Identifiers: Orphanet 140162, MedGen C0027672, MeSH D009386, MONDO:0015356.
Tuberous sclerosis 2 (TSC2). Identifiers: Orphanet 805, MedGen C1860707, MONDO:0013199, OMIM 613254.

Submissions (2):

Labcorp Genetics (formerly Invitae), Labcorp
Classification: Uncertain significance for Tuberous sclerosis 2. Last evaluated: 2025-04-02. Review status: criteria provided, single submitter. Criteria: Invitae Variant Classification Sherloc (09022015). Collection method: clinical testing. Allele origin: germline.
Comment: This sequence change replaces methionine, which is neutral and non-polar, with isoleucine, which is neutral and non-polar, at codon 1625 of the TSC2 protein (p.Met1625Ile). This variant is not present in population databases (gnomAD no frequency). This variant has not been reported in the literature in individuals affected with TSC2-related conditions. ClinVar contains an entry for this variant (Variation ID: 3232178). Invitae Evidence Modeling of protein sequence and biophysical properties (such as structural, functional, and spatial information, amino acid conservation, physicochemical variation, residue mobility, and thermodynamic stability) has been performed for this missense variant. However, the output from this modeling did not meet the statistical confidence thresholds required to predict the impact of this variant on TSC2 protein function. In summary, the available evidence is currently insufficient to determine the role of this variant in disease. Therefore, it has been classified as a Variant of Uncertain Significance.

Ambry Genetics
Classification: Uncertain significance for Hereditary cancer-predisposing syndrome. Last evaluated: 2024-01-27. Review status: criteria provided, single submitter. Criteria: Ambry Variant Classification Scheme 2023. Collection method: clinical testing. Allele origin: germline.
Comment: The p.M1625I variant (also known as c.4875G>A), located in coding exon 37 of the TSC2 gene, results from a G to A substitution at nucleotide position 4875. The methionine at codon 1625 is replaced by isoleucine, an amino acid with highly similar properties. This amino acid position is conserved. In addition, this alteration is predicted to be deleterious by in silico analysis. Based on the available evidence, the clinical significance of this alteration remains unclear.

NM_000548.5(TSC2):c.4875G>A (p.Met1625Ile)

Gene: TSC2 (TSC complex subunit 2; plus strand). Cytogenetic location: 16p13.3.
Variant type: single nucleotide variant.
Coding change: c.4875G>A on transcript NM_000548.5 (MANE Select); coding-DNA position 4875, G replaced by A.
Protein change: p.Met1625Ile; replaces methionine 1625 with isoleucine.
Molecular consequence: missense variant. On other transcripts: non-coding transcript variant (4).
Genome position (GRCh38, 1-based): chr16:2,086,757, G>A. VCF-style: chr16-2086757-G-A. GRCh37 (hg19) VCF-style: chr16-2136758-G-A.
Other names: c.4674G>A, p.Met1558Ile (NM_001077183.3); c.4806G>A, p.Met1602Ile (NM_001114382.3); c.4566G>A, p.Met1522Ile (NM_001318827.2); c.4530G>A, p.Met1510Ile (NM_001318829.2); c.4143G>A, p.Met1381Ile (NM_001318831.2); c.4707G>A, p.Met1569Ile (NM_001318832.2); c.4677G>A, p.Met1559Ile (NM_001363528.2); c.4743G>A, p.Met1581Ile (NM_001370404.1); and 26 more; short protein forms M1024I, M1110I, M1111I, M1133I, M1134I, M1154I, M1358I, M1359I.
Identifiers: ClinVar variation 3232178 (VCV003232178.2), dbSNP rs1456354354, ClinGen allele CA394308308.
Genomic context (GRCh38, chr16:2,086,757, plus strand): 5'-GCCCCACAAACCCATCCGGCCCTGCTCACCCTCAGCCGTCTTCCACATCGCCACCCTGAT[G>A]CCCACCAAGGACGTGGACAAGCACCGCTGCGACAAGAAGCGCCACCTGGGCAACGACTTT-3'
Protein context (NP_000539.2, residues 1615-1635): MQAVFHIATL[Met1625Ile]PTKDVDKHRC